The following is an entry in ClinVar:

ClinVar aggregate classification (germline): Uncertain significance (0 of 4 stars; one submission).

Conditions:
TTN-related disorder. Also called: TTN-related disorders; TTN-related condition; TTN-related disease.

gnomAD v4.1: 2 of 1,612,732 alleles (0.00012%); highest among the groups gnomAD compares: Non-Finnish European, 0.00017%; no homozygotes.

Submission:

PreventionGenetics, part of Exact Sciences
Classification: Uncertain significance for TTN-related condition. Last evaluated: 2024-07-06. Review status: no assertion criteria provided. Collection method: clinical testing. Allele origin: germline.
Comment: The TTN c.36567G>T variant is predicted to result in the amino acid substitution p.Lys12189Asn. To our knowledge, this variant has not been reported in the literature or in a large population database, indicating this variant is rare. At this time, the clinical significance of this variant is uncertain due to the absence of conclusive functional and genetic evidence.

NM_001267550.2(TTN):c.36567G>T (p.Lys12189Asn)

Gene: TTN (titin; minus strand). Cytogenetic location: 2q31.2.
Variant type: single nucleotide variant.
Coding change: c.36567G>T on transcript NM_001267550.2 (MANE Select); coding-DNA position 36567, G replaced by T.
Protein change: p.Lys12189Asn; replaces lysine 12189 with asparagine.
Molecular consequence: missense variant. On other transcripts: intron variant (5).
Genome position (GRCh38, 1-based): chr2:178,663,482, C>A on the plus strand (G>T on the coding strand, the complement: TTN is on the minus strand). VCF-style: chr2-178663482-C-A. GRCh37 (hg19) VCF-style: chr2-179528209-C-A.
Other names: c.13283-21165G>T (NM_003319.4); c.13859-21165G>T (NM_133437.4); c.13658-21165G>T (NM_133432.3); c.31484-427G>T (NM_133378.4); c.34265-427G>T (NM_001256850.1); short protein forms K12189N.
Identifiers: ClinVar variation 3346781 (VCV003346781.1).